The following is an entry in ClinVar:

ClinVar aggregate classification (germline): Uncertain significance (1 of 4 stars; one submission).

Submission:

Labcorp Genetics (formerly Invitae), Labcorp
Classification: Uncertain significance. Last evaluated: 2020-12-19. Review status: criteria provided, single submitter. Criteria: Invitae Variant Classification Sherloc (09022015). Collection method: clinical testing. Allele origin: germline.
Comment: This variant has not been reported in the literature in individuals with C6-related conditions. In summary, the available evidence is currently insufficient to determine the role of this variant in disease. Therefore, it has been classified as a Variant of Uncertain Significance. Algorithms developed to predict the effect of missense changes on protein structure and function are either unavailable or do not agree on the potential impact of this missense change (SIFT: "Deleterious"; PolyPhen-2: "Probably Damaging"; Align-GVGD: "Class C0"). This variant is not present in population databases (ExAC no frequency). This sequence change replaces tyrosine with histidine at codon 354 of the C6 protein (p.Tyr354His). The tyrosine residue is highly conserved and there is a moderate physicochemical difference between tyrosine and histidine.

NM_000065.5(C6):c.1060T>C (p.Tyr354His)

Gene: C6 (complement C6; minus strand). Cytogenetic location: 5p13.1.
Variant type: single nucleotide variant.
Coding change: c.1060T>C on transcript NM_000065.5 (MANE Select); coding-DNA position 1060, T replaced by C.
Protein change: p.Tyr354His; replaces tyrosine 354 with histidine.
Molecular consequence: missense variant.
Genome position (GRCh38, 1-based): chr5:41,176,583, A>G on the plus strand (T>C on the coding strand, the complement: C6 is on the minus strand). VCF-style: chr5-41176583-A-G. GRCh37 (hg19) VCF-style: chr5-41176685-A-G.
Other names: c.1060T>C, p.Tyr354His (NM_001115131.4); short protein forms Y354H.
Identifiers: ClinVar variation 1484986 (VCV001484986.8), dbSNP rs2150311833, ClinGen allele CA359600660.